The following is an entry in ClinVar:

ClinVar aggregate classification (germline): Uncertain significance (1 of 4 stars; one submission).

Conditions:
FG syndrome (FGS). Identifiers: MedGen C0220769, MONDO:0002010.

gnomAD v4.1: 3 of 1,192,485 alleles (0.00025%); highest among the groups gnomAD compares: Non-Finnish European, 0.00034%; no homozygotes.

Submission:

Labcorp Genetics (formerly Invitae), Labcorp
Classification: Uncertain significance for FG syndrome. Last evaluated: 2024-11-16. Review status: criteria provided, single submitter. Criteria: Invitae Variant Classification Sherloc (09022015). Collection method: clinical testing. Allele origin: germline.
Comment: This sequence change replaces leucine, which is neutral and non-polar, with methionine, which is neutral and non-polar, at codon 36 of the MED12 protein (p.Leu36Met). This variant is not present in population databases (gnomAD no frequency). This variant has not been reported in the literature in individuals affected with MED12-related conditions. ClinVar contains an entry for this variant (Variation ID: 1484916). Invitae Evidence Modeling of protein sequence and biophysical properties (such as structural, functional, and spatial information, amino acid conservation, physicochemical variation, residue mobility, and thermodynamic stability) has been performed for this missense variant. However, the output from this modeling did not meet the statistical confidence thresholds required to predict the impact of this variant on MED12 protein function. In summary, the available evidence is currently insufficient to determine the role of this variant in disease. Therefore, it has been classified as a Variant of Uncertain Significance.

NM_005120.3(MED12):c.106C>A (p.Leu36Met)

Gene: MED12 (mediator complex subunit 12; plus strand). Cytogenetic location: Xq13.1.
Variant type: single nucleotide variant.
Coding change: c.106C>A on transcript NM_005120.3 (MANE Select); coding-DNA position 106, C replaced by A.
Protein change: p.Leu36Met; replaces leucine 36 with methionine.
Molecular consequence: missense variant.
Genome position (GRCh38, 1-based): chrX:71,119,379, C>A. VCF-style: chrX-71119379-C-A. GRCh37 (hg19) VCF-style: chrX-70339229-C-A.
Other names: short protein forms L36M.
Identifiers: ClinVar variation 1484916 (VCV001484916.8), dbSNP rs2147769903, ClinGen allele CA413498581.
Genomic context (GRCh38, chrX:71,119,379, plus strand): 5'-CCCTTCCCCCTTCCCCTAAGGAAAAAACAACTAAACGCCGCTTTCCTGCCTCAGGATGAA[C>A]TGACGGCCTTGAATGTAAAACAAGGTTTCAATAACCAGCCTGCTGTCTCTGGGGATGAGC-3'
Protein context (NP_005111.2, residues 26-46): PQDPKQKEDE[Leu36Met]TALNVKQGFN